The following is an entry in ClinVar:

ClinVar aggregate classification (germline): Uncertain significance. Review status: criteria provided, multiple submitters, no conflicts (2 of 4 stars). 2 submissions from 2 submitters: Uncertain significance (2). Last evaluated 2026-02-13.

Conditions:
NNT-related disorder. Also called: NNT-related condition.
Inborn genetic diseases. Identifiers: MedGen C0950123, MeSH D030342.

Allele frequency attached by ClinVar (database versions not stated): TOPMed below 0.00001; gnomAD 0.00001; gnomAD exomes 0.00001.
gnomAD v4.1: 9 of 1,614,022 alleles (0.00056%); highest among the groups gnomAD compares: Non-Finnish European, 0.00076%; no homozygotes.

Submissions (2):

PreventionGenetics, part of Exact Sciences
Classification: Uncertain significance for NNT-related condition. Last evaluated: 2026-02-13. Review status: criteria provided, single submitter. Criteria: ACMG Guidelines, 2015. Collection method: clinical testing. Allele origin: germline.
Comment: The NNT c.553A>G variant is predicted to result in the amino acid substitution p.Ile185Val. To our knowledge, this variant has not been reported in the literature. This variant is reported in 0.00088% of alleles in individuals of European (Non-Finnish) descent in gnomAD. At this time, the clinical significance of this variant is uncertain due to the absence of conclusive functional and genetic evidence.

Ambry Genetics
Classification: Uncertain significance for Inborn genetic diseases. Last evaluated: 2021-10-12. Review status: criteria provided, single submitter. Criteria: Ambry Variant Classification Scheme 2023. Collection method: clinical testing. Allele origin: germline.

NM_182977.3(NNT):c.553A>G (p.Ile185Val)

Gene: NNT (nicotinamide nucleotide transhydrogenase; plus strand). Cytogenetic location: 5p12.
Variant type: single nucleotide variant.
Coding change: c.553A>G on transcript NM_182977.3 (MANE Select); coding-DNA position 553, A replaced by G.
Protein change: p.Ile185Val; replaces isoleucine 185 with valine.
Molecular consequence: missense variant.
Genome position (GRCh38, 1-based): chr5:43,616,019, A>G. VCF-style: chr5-43616019-A-G. GRCh37 (hg19) VCF-style: chr5-43616121-A-G.
Other names: c.160A>G, p.Ile54Val (NM_001331026.2); c.553A>G, p.Ile185Val (NM_012343.4); short protein forms I54V, I185V.
Identifiers: ClinVar variation 2356394 (VCV002356394.3), dbSNP rs1186807396, ClinGen allele CA359666516.